The following is an entry in ClinVar:

ClinVar aggregate classification (germline): Uncertain significance (1 of 4 stars; one submission).

Conditions:
Inborn genetic diseases. Identifiers: MedGen C0950123, MeSH D030342.

Submission:

Ambry Genetics
Classification: Uncertain significance for Inborn genetic diseases. Last evaluated: 2026-01-17. Review status: criteria provided, single submitter. Criteria: Ambry Variant Classification Scheme 2023. Collection method: clinical testing. Allele origin: germline.
Comment: The p.A40T variant (also known as c.118G>A), located in coding exon 2 of the ETV6 gene, results from a G to A substitution at nucleotide position 118. The alanine at codon 40 is replaced by threonine, an amino acid with similar properties. This amino acid position is conserved. In addition, this alteration is predicted to be tolerated by in silico analysis. Based on the available evidence, the clinical significance of this variant remains unclear.

NM_001987.5(ETV6):c.118G>A (p.Ala40Thr)

Gene: ETV6 (ETS variant transcription factor 6; plus strand). Cytogenetic location: 12p13.2.
Variant type: single nucleotide variant.
Coding change: c.118G>A on transcript NM_001987.5 (MANE Select); coding-DNA position 118, G replaced by A.
Protein change: p.Ala40Thr; replaces alanine 40 with threonine.
Molecular consequence: missense variant. On other transcripts: intron variant (1).
Genome position (GRCh38, 1-based): chr12:11,752,534, G>A. VCF-style: chr12-11752534-G-A. GRCh37 (hg19) VCF-style: chr12-11905468-G-A.
Other names: c.115G>A, p.Ala39Thr (NM_001413913.1); c.91G>A, p.Ala31Thr (NM_001413914.1); c.118G>A, p.Ala40Thr (NM_001413916.1, NM_001413917.1, NM_001413918.1); c.-101-86606G>A (NM_001413915.1); short protein forms A40T, A31T, A39T.
Identifiers: ClinVar variation 4824056 (VCV004824056.1).